The following is an entry in ClinVar:

NM_000038.6(APC):c.442del (p.Asp149fs)

Gene: APC (APC regulator of Wnt signaling pathway; plus strand). Cytogenetic location: 5q22.2.
Variant type: Deletion.
Coding change: c.442del on transcript NM_000038.6 (MANE Select); coding-DNA position 442, one base deleted (C; older notation c.442delC).
Protein change: p.Asp149fs; shifts the reading frame from aspartic acid 149.
Molecular consequence: frameshift variant. On other transcripts: 5 prime UTR variant (1).
Genome position (GRCh38, 1-based): chr5:112,775,648, C deleted. VCF-style (leftmost placement, unchanged base first): chr5-112775647-TC-T. GRCh37 (hg19) VCF-style: chr5-112111344-TC-T.
Other names: c.442del, p.Asp149fs (NM_001127510.3, NM_001354895.2, NM_001354896.2 and 2 more transcripts); c.472del, p.Asp159fs (NM_001127511.3, NM_001354897.2, NM_001354902.2); c.367del, p.Asp124fs (NM_001354898.2, NM_001354904.2); c.265del, p.Asp90fs (NM_001354900.2, NM_001354901.2, NM_001354905.2); c.-594del (NM_001354906.2); short protein forms D124fs, D149fs, D159fs, D90fs.
Identifiers: ClinVar variation 1049151 (VCV001049151.1), dbSNP rs2149614716, ClinGen allele CA2499217424.

ClinVar aggregate classification (germline): Pathogenic (0 of 4 stars; one submission).

Conditions:
Familial adenomatous polyposis 1 (FAP1). Also called: POLYPOSIS, ADENOMATOUS INTESTINAL; FAMILIAL ADENOMATOUS POLYPOSIS 1, ATTENUATED. Identifiers: MedGen C2713442, MONDO:0021056, OMIM 175100. Disease mechanism: loss of function.

Submission:

Department of Pathology and Laboratory Medicine, Sinai Health System
Classification: Pathogenic for Familial adenomatous polyposis 1. Review status: no assertion criteria provided. Collection method: clinical testing. Allele origin: unknown. Affected: yes. Study: The Canadian Open Genetics Repository (COGR).
Comment: The APC p.Asp149Thrfs*21 variant was not identified in the literature nor was it identified in the dbSNP, ClinVar, LOVD 3.0, or UMD-LSDB databases. The variant was not identified in the following control databases: the Exome Aggregation Consortium (August 8th 2016) or the Genome Aggregation Database (Feb 27, 2017). The c.442del variant is predicted to cause a frameshift, which alters the protein's amino acid sequence beginning at codon 149 and leads to a premature stop codon at position 169. This alteration is then predicted to result in a truncated or absent protein and loss of function. Loss of function variants of the APC gene are an established mechanism of disease in familial adenomatous polyposis (FAP) and is the type of variant expected to cause the disorder. In summary, based on the above information, this variant meets our laboratoryâ€šÃ„Ã´s criteria to be classified as pathogenic.